The following is an entry in ClinVar:

NM_001165963.4(SCN1A):c.4002+2407A>C

Genes: SCN1A (sodium voltage-gated channel alpha subunit 1; minus strand), LOC102724058 (uncharacterized LOC102724058; plus strand). Cytogenetic location: 2q24.3.
Variant type: single nucleotide variant.
Coding change: c.4002+2407A>C on transcript NM_001165963.4 (MANE Select); 2407 bases into the intron after coding-DNA position 4002, A replaced by C.
Molecular consequence: intron variant.
Genome position (GRCh38, 1-based): chr2:166,007,312, T>G on the plus strand (A>C on the coding strand, the complement: SCN1A is on the minus strand). VCF-style: chr2-166007312-T-G. GRCh37 (hg19) VCF-style: chr2-166863822-T-G.
Other names: c.3969+2407A>C (NM_001353949.2, NM_001353950.2, NM_001353951.2 and 2 more transcripts); c.3918+2407A>C (NM_001353958.2, NM_001353957.2, NM_001165964.3); c.4002+2407A>C (NM_001202435.3, NM_001353948.2); c.3966+2407A>C (NM_001353955.2, NM_001353954.2); c.3915+2407A>C (NM_001353960.2); c.1560+2407A>C (NM_001353961.2).
Identifiers: ClinVar variation 3001345 (VCV003001345.3), dbSNP rs1191367818, ClinGen allele CA1304846282.
Genomic context (GRCh38, chr2:166,007,312, plus strand): 5'-GGAACCAGCGCTCCACCCCATCCAAGTTGGAGCAAGATTATCCTATACAAAATAGAAATA[T>G]ATAGTTTGTTATTAGTTAGAAATCTGATATGACAGAACATTTGGTGTTACTTTTTGTTCA-3'

ClinVar aggregate classification (germline): Uncertain significance (1 of 4 stars; one submission).

Conditions:
Early-infantile DEE. Also called: Early infantile epileptic encephalopathy with suppression bursts; Ohtahara syndrome; Early infantile epileptic encephalopathy. Identifiers: Orphanet 1934, MedGen C0393706, MONDO:0800491.

Submission:

Labcorp Genetics (formerly Invitae), Labcorp
Classification: Uncertain significance for Early-infantile DEE. Last evaluated: 2024-05-15. Review status: criteria provided, single submitter. Criteria: Invitae Variant Classification Sherloc (09022015). Collection method: clinical testing. Allele origin: germline.
Comment: This sequence change falls in intron 20 of the SCN1A gene. It does not directly change the encoded amino acid sequence of the SCN1A protein. However, this sequence change falls within a region encompassing a cryptic exon in the SCN1A gene, in which variants have been shown to alter splicing (PMID: 30526861, 34107977). This variant is not present in population databases (gnomAD no frequency). This variant has not been reported in the literature in individuals affected with SCN1A-related conditions. Algorithms developed to predict the effect of sequence changes on RNA splicing suggest that this variant is not likely to affect RNA splicing. In summary, the available evidence is currently insufficient to determine the role of this variant in disease. Therefore, it has been classified as a Variant of Uncertain Significance.

Literature cited by the submitters: PubMed 30526861; PubMed 34107977.